The following is an entry in ClinVar:

NM_004145.4(MYO9B):c.1845T>C (p.His615=)

Gene: MYO9B (myosin IXB; plus strand). Cytogenetic location: 19p13.11.
Variant type: single nucleotide variant.
Coding change: c.1845T>C on transcript NM_004145.4 (MANE Select); coding-DNA position 1845, T replaced by C.
Protein change: p.His615=; no amino-acid change (histidine 615 retained).
Molecular consequence: synonymous variant.
Genome position (GRCh38, 1-based): chr19:17,172,387, T>C. VCF-style: chr19-17172387-T-C. GRCh37 (hg19) VCF-style: chr19-17283197-T-C.
Other names: c.1845T>C, p.His615= (NM_001130065.2).
Identifiers: ClinVar variation 3053760 (VCV003053760.2), dbSNP rs1159956261, ClinGen allele CA505959095.

ClinVar aggregate classification (germline): Likely benign (0 of 4 stars; one submission).

Conditions:
MYO9B-related disorder. Also called: MYO9B-related condition.

Allele frequency attached by ClinVar (database versions not stated): gnomAD exomes below 0.00001.
gnomAD v4.1: 2 of 1,613,906 alleles (0.00012%); highest among the groups gnomAD compares: Non-Finnish European, 0.00017%; no homozygotes.

Submission:

PreventionGenetics, part of Exact Sciences
Classification: Likely benign for MYO9B-related condition. Last evaluated: 2019-08-13. Review status: no assertion criteria provided. Collection method: clinical testing. Allele origin: germline.
Comment: This variant is classified as likely benign based on ACMG/AMP sequence variant interpretation guidelines (Richards et al. 2015 PMID: 25741868, with internal and published modifications).